The following is an entry in ClinVar:

ClinVar aggregate classification (germline): Uncertain significance (1 of 4 stars; one submission).

Allele frequency attached by ClinVar (database versions not stated): ExAC 0.00001.
gnomAD v4.1: 5 of 1,613,892 alleles (0.00031%); highest among the groups gnomAD compares: South Asian, 0.0055%; no homozygotes.

Submission:

GeneDx
Classification: Uncertain significance. Last evaluated: 2019-10-30. Review status: criteria provided, single submitter. Criteria: GeneDx Variant Classification Process June 2021. Collection method: clinical testing. Allele origin: germline. Affected: yes.
Comment: Not observed at a significant frequency in large population cohorts (Lek et al., 2016); In silico analysis, which includes protein predictors and evolutionary conservation, supports a deleterious effect; Has not been previously published as pathogenic or benign to our knowledge

NM_001384140.1(PCDH15):c.836C>T (p.Pro279Leu)

Gene: PCDH15 (protocadherin related 15; minus strand). Cytogenetic location: 10q21.1.
Variant type: single nucleotide variant.
Coding change: c.836C>T on transcript NM_001384140.1 (MANE Select); coding-DNA position 836, C replaced by T.
Protein change: p.Pro279Leu; replaces proline 279 with leucine.
Molecular consequence: missense variant.
Genome position (GRCh38, 1-based): chr10:54,317,311, G>A on the plus strand (C>T on the coding strand, the complement: PCDH15 is on the minus strand). VCF-style: chr10-54317311-G-A. GRCh37 (hg19) VCF-style: chr10-56077071-G-A.
Other names: c.851C>T, p.Pro284Leu (NM_001142763.2, NM_001142769.4, NM_001142771.2); c.836C>T, p.Pro279Leu (NM_001142764.2, NM_001142765.2, NM_001142766.2 and 7 more transcripts); c.725C>T, p.Pro242Leu (NM_001142767.2); c.770C>T, p.Pro257Leu (NM_001142768.2, NM_001142773.2, NM_001354404.2); short protein forms P242L, P257L, P279L, P284L.
Identifiers: ClinVar variation 1309767 (VCV001309767.2), dbSNP rs774256902, ClinGen allele CA5506585.